The following is an entry in ClinVar:

NM_000059.4(BRCA2):c.7617+4_7617+20del

Gene: BRCA2 (BRCA2 DNA repair associated; plus strand). Cytogenetic location: 13q13.1.
Variant type: Deletion.
Coding change: c.7617+4_7617+20del on transcript NM_000059.4 (MANE Select); bases 4 to 20 of the intron after coding-DNA position 7617, 17 bases deleted (TGTGTTTGTCTACAATA).
Molecular consequence: splice donor variant.
Genome position (GRCh38, 1-based): chr13:32,356,613-32,356,629, TGTGTTTGTCTACAATA deleted; deleting any 17 consecutive bases within chr13:32,356,611-32,356,629 gives the same sequence; the c. name uses the placement nearest the transcript's 3' end. VCF-style (leftmost placement, unchanged base first): chr13-32356610-GTATGTGTTTGTCTACAA-G. GRCh37 (hg19) VCF-style: chr13-32930747-GTATGTGTTTGTCTACAA-G.
Other names: c.7617+4_7617+20del17 (NM_000059.3).
Identifiers: ClinVar variation 1369064 (VCV001369064.7), dbSNP rs1292248463, ClinGen allele CA697350952.

ClinVar aggregate classification (germline): Uncertain significance. Review status: criteria provided, multiple submitters, no conflicts (2 of 4 stars). 2 submissions from 2 submitters: Uncertain significance (2). Last evaluated 2025-11-06.

Conditions:
Hereditary cancer-predisposing syndrome. Also called: Neoplastic Syndromes, Hereditary; Tumor predisposition; Hereditary neoplastic syndrome; Hereditary Cancer Syndrome. Identifiers: Orphanet 140162, MedGen C0027672, MeSH D009386, MONDO:0015356.
Hereditary breast ovarian cancer syndrome. Also called: BRCA1- and BRCA2-Associated Hereditary Breast and Ovarian Cancer; Hereditary breast and ovarian cancer; Hereditary breast and ovarian cancer syndrome; Hereditary breast and/or ovarian cancer syndrome; Hereditary breast and ovarian cancer syndrome (HBOC); Breast and ovarian cancer. Identifiers: Orphanet 145, MedGen C0677776, MeSH D061325, MONDO:0003582. Disease mechanism: loss of function.

Submissions (2):

Ambry Genetics
Classification: Uncertain significance for Hereditary cancer-predisposing syndrome. Last evaluated: 2025-11-06. Review status: criteria provided, single submitter. Criteria: Ambry Variant Classification Scheme 2023. Collection method: clinical testing. Allele origin: germline.
Comment: The c.7617+4_7617+20del17 intronic variant begins 4 nucleotides after coding exon 14 in the BRCA2 gene. This variant results from a deletion of 17 nucleotides at positions c.7617+4 to c.7617+20. This nucleotide region is not well conserved in available vertebrate species. In silico splice site analysis for this alteration is inconclusive. Based on the available evidence, the clinical significance of this variant remains unclear.

Labcorp Genetics (formerly Invitae), Labcorp
Classification: Uncertain significance for Hereditary breast ovarian cancer syndrome. Last evaluated: 2022-08-31. Review status: criteria provided, single submitter. Criteria: Invitae Variant Classification Sherloc (09022015). Collection method: clinical testing. Allele origin: germline.
Comment: This variant has not been reported in the literature in individuals affected with BRCA2-related conditions. In summary, the available evidence is currently insufficient to determine the role of this variant in disease. Therefore, it has been classified as a Variant of Uncertain Significance. Variants that disrupt the consensus splice site are a relatively common cause of aberrant splicing (PMID: 17576681, 9536098). Algorithms developed to predict the effect of sequence changes on RNA splicing suggest that this variant may disrupt the consensus splice site. ClinVar contains an entry for this variant (Variation ID: 1369064). This variant is not present in population databases (gnomAD no frequency). This sequence change falls in intron 15 of the BRCA2 gene. It does not directly change the encoded amino acid sequence of the BRCA2 protein. It affects a nucleotide within the consensus splice site.

Literature cited by the submitters: PubMed 17576681 (cited by Labcorp Genetics (formerly Invitae), Labcorp); PubMed 9536098 (cited by Labcorp Genetics (formerly Invitae), Labcorp).